The following is an entry in ClinVar:

ClinVar aggregate classification (germline): Uncertain significance (1 of 4 stars; one submission).

Conditions:
Autosomal dominant limb-girdle muscular dystrophy type 1G (LGMDD3). Also called: Limb-girdle muscular dystrophy, type 1G; MUSCULAR DYSTROPHY, LIMB-GIRDLE, AUTOSOMAL DOMINANT 3. Identifiers: Orphanet 55596, MedGen C1836765, MONDO:0012193, OMIM 609115.

gnomAD v4.1: 1 of 1,613,546 alleles (0.000062%); highest among the groups gnomAD compares: South Asian, 0.0011%; no homozygotes.

Submission:

Labcorp Genetics (formerly Invitae), Labcorp
Classification: Uncertain significance for Autosomal dominant limb-girdle muscular dystrophy type 1G. Last evaluated: 2024-03-27. Review status: criteria provided, single submitter. Criteria: Invitae Variant Classification Sherloc (09022015). Collection method: clinical testing. Allele origin: germline.
Comment: This sequence change replaces alanine, which is neutral and non-polar, with valine, which is neutral and non-polar, at codon 103 of the HNRNPDL protein (p.Ala103Val). This variant is not present in population databases (gnomAD no frequency). This variant has not been reported in the literature in individuals affected with HNRNPDL-related conditions. An algorithm developed to predict the effect of missense changes on protein structure and function (PolyPhen-2) suggests that this variant is likely to be disruptive. In summary, the available evidence is currently insufficient to determine the role of this variant in disease. Therefore, it has been classified as a Variant of Uncertain Significance.

NM_031372.4(HNRNPDL):c.308C>T (p.Ala103Val)

Gene: HNRNPDL (heterogeneous nuclear ribonucleoprotein D like; minus strand). Cytogenetic location: 4q21.22.
Variant type: single nucleotide variant.
Coding change: c.308C>T on transcript NM_031372.4 (MANE Select); coding-DNA position 308, C replaced by T.
Protein change: p.Ala103Val; replaces alanine 103 with valine.
Molecular consequence: missense variant. On other transcripts: non-coding transcript variant (1).
Genome position (GRCh38, 1-based): chr4:82,429,383, G>A on the plus strand (C>T on the coding strand, the complement: HNRNPDL is on the minus strand). VCF-style: chr4-82429383-G-A. GRCh37 (hg19) VCF-style: chr4-83350536-G-A.
Other names: c.308C>T, p.Ala103Val (NM_001207000.1); short protein forms A103V.
Identifiers: ClinVar variation 3647874 (VCV003647874.2).
Genomic context (GRCh38, chr4:82,429,383, plus strand): 5'-ATATCCTCCATAGTGACGGAGCTGTCGGCAGGGGGGTGCTGGCGCGCAGTCCGGGTCGCG[G>A]CAGCAGCGGCGGCGGAGCGTTGTATGGAGCTGGATTTAAAATGGCGGCGGAAGAGATCCG-3'
Protein context (NP_112740.1, residues 93-113): SSIQRSAAAA[Ala103Val]ATRTARQHPP